The following is an entry in ClinVar:

NM_000400.4(ERCC2):c.776G>A (p.Cys259Tyr)

Gene: ERCC2 (ERCC excision repair 2, TFIIH core complex helicase subunit; minus strand). Cytogenetic location: 19q13.32.
Variant type: single nucleotide variant.
Coding change: c.776G>A on transcript NM_000400.4 (MANE Select); coding-DNA position 776, G replaced by A.
Protein change: p.Cys259Tyr; replaces cysteine 259 with tyrosine.
Molecular consequence: missense variant.
Genome position (GRCh38, 1-based): chr19:45,364,274, C>T on the plus strand (G>A on the coding strand, the complement: ERCC2 is on the minus strand). VCF-style: chr19-45364274-C-T. GRCh37 (hg19) VCF-style: chr19-45867532-C-T.
Other names: c.704G>A, p.Cys235Tyr (NM_001130867.2); short protein forms C259Y, C235Y.
Identifiers: ClinVar variation 329522 (VCV000329522.17), dbSNP rs370454709, ClinGen allele CA9513634.

ClinVar aggregate classification (germline): Pathogenic/Likely pathogenic. Review status: criteria provided, multiple submitters, no conflicts (2 of 4 stars). 6 submissions from 6 submitters: Pathogenic (1); Likely pathogenic (5). Last evaluated 2026-01-27.

Conditions:
Xeroderma pigmentosum, group D (XPD). Also called: XERODERMA PIGMENTOSUM, COMPLEMENTATION GROUP D; XERODERMA PIGMENTOSUM IV; XP, GROUP D; XP, GROUP H; ERCC2-Related Xeroderma Pigmentosum. Identifiers: MedGen C0268138, MONDO:0010212, OMIM 278730.
Trichothiodystrophy 1, photosensitive (TTD1). Also called: TAY SYNDROME; TRICHOTHIODYSTROPHY WITH CONGENITAL ICHTHYOSIS; PIBIDS SYNDROME. Identifiers: Orphanet 33364, MedGen C1866504, MONDO:0011125, OMIM 601675.
Cerebrooculofacioskeletal syndrome 2 (COFS2). Identifiers: MedGen C1853102, MONDO:0012553, OMIM 610756.
ERCC2-related disorder. Also called: ERCC2-related conditions; ERCC2-related condition; ERCC2-related disorders. Identifiers: MedGen CN239291.
Xeroderma pigmentosum (XP). Identifiers: Orphanet 910, MedGen C0043346, MONDO:0019600.

Allele frequency attached by ClinVar (database versions not stated): TOPMed 0.00003; gnomAD 0.00004; gnomAD exomes 0.00004 and 0.00006; ExAC 0.00006; ESP Exome Variant Server 0.00008.

Submissions (6):

Labcorp Genetics (formerly Invitae), Labcorp
Classification: Likely pathogenic. Last evaluated: 2026-01-27. Review status: criteria provided, single submitter. Criteria: Invitae Variant Classification Sherloc (09022015). Collection method: clinical testing. Allele origin: germline.
Comment: This sequence change replaces cysteine, which is neutral and slightly polar, with tyrosine, which is neutral and polar, at codon 259 of the ERCC2 protein (p.Cys259Tyr). This variant is present in population databases (rs370454709, gnomAD 0.01%). This missense change has been observed in individual(s) with trichothiodystrophy (PMID: 9758621). In at least one individual the data is consistent with being in trans (on the opposite chromosome) from a pathogenic variant. It has also been observed to segregate with disease in related individuals. ClinVar contains an entry for this variant (Variation ID: 329522). Invitae Evidence Modeling of protein sequence and biophysical properties (such as structural, functional, and spatial information, amino acid conservation, physicochemical variation, residue mobility, and thermodynamic stability) indicates that this missense variant is expected to disrupt ERCC2 protein function with a positive predictive value of 80%. Experimental studies have shown that this missense change affects ERCC2 function (PMID: 23382212). In summary, the currently available evidence indicates that the variant is pathogenic, but additional data are needed to prove that conclusively. Therefore, this variant has been classified as Likely Pathogenic.

Fulgent Genetics
Classification: Pathogenic for Xeroderma pigmentosum, group D; Trichothiodystrophy 1, photosensitive; Cerebrooculofacioskeletal syndrome 2. Last evaluated: 2024-06-13. Review status: criteria provided, single submitter. Criteria: ACMG Guidelines, 2015. Collection method: clinical testing. Allele origin: germline.

Baylor Genetics
Classification: Likely pathogenic for Cerebrooculofacioskeletal syndrome 2. Last evaluated: 2024-03-23. Review status: criteria provided, single submitter. Criteria: ACMG Guidelines, 2015. Collection method: clinical testing. Allele origin: unknown.

Blueprint Genetics
Classification: Likely pathogenic for ERCC2-related disorders. Last evaluated: 2022-12-13. Review status: criteria provided, single submitter. Criteria: ACMG Guidelines, 2015. Collection method: clinical testing. Allele origin: germline. Affected: yes. Observed: 5 variant alleles.

GeneDx
Classification: Likely pathogenic. Last evaluated: 2022-01-11. Review status: criteria provided, single submitter. Criteria: GeneDx Variant Classification Process June 2021. Collection method: clinical testing. Allele origin: germline. Affected: yes.
Comment: Published functional studies demonstrate a damaging effect: destabilized protein, impaired DNA unwinding activity, decreased MAT1/ERCC2 interaction, reduced TFIIH activity, impaired TFIIH transcription initiation, and impaired TFIIH nucleotide excision repair activity (Botta et al., 2002; Liu et al., 2008; Orioli et al., 2013; Abdulrahman et al., 2013); In silico analysis supports that this missense variant has a deleterious effect on protein structure/function; This variant is associated with the following publications: (PMID: 26957611, 27085493, 23221806, 9758621, 12393803, 18510925, 23382212)

Sema4
Classification: Likely pathogenic for Xeroderma pigmentosum. Last evaluated: 2021-12-13. Review status: criteria provided, single submitter. Criteria: Sema4 Curation Guidelines. Collection method: curation. Allele origin: germline.
Comment: The ERCC2 c.776G>A (p.C259Y) variant has been reported as compound heterozygous in two brothers with trichothiodystrophy (PMID: 9758621). Additionally, it was also observed in at least two individuals with anaplastic thyroid carcinoma and advanced/metastatic cancer respectively (PMID: 26957611, 33199492). It was observed in 16/128416 chromosomes of the Non-Finnish European subpopulation in the Genome Aggregation Database (PMID: 32461654). The variant has been reported in ClinVar (Variation ID 329522). In silico tools suggest the impact of the variant on protein function is deleterious. A functional study demonstrated the variant to result in limited capacity of TFIIH to stimulate transcription/transactivation (PMID: 23382212). Based on the current evidence available, this variant is interpreted as likely pathogenic.

Literature cited by the submitters: PubMed 9758621 (cited by Labcorp Genetics (formerly Invitae), Labcorp and Sema4); PubMed 23382212 (cited by Labcorp Genetics (formerly Invitae), Labcorp and Sema4); PubMed 26957611 (cited by Sema4); PubMed 33199492 (cited by Sema4).